The following is an entry in ClinVar:

NM_003628.6(PKP4):c.2693A>G (p.Asn898Ser)

Genes: PKP4 (plakophilin 4; plus strand), PKP4-AS1 (PKP4 antisense RNA 1; minus strand). Cytogenetic location: 2q24.1.
Variant type: single nucleotide variant.
Coding change: c.2693A>G on transcript NM_003628.6 (MANE Select); coding-DNA position 2693, A replaced by G.
Protein change: p.Asn898Ser; replaces asparagine 898 with serine.
Molecular consequence: missense variant.
Genome position (GRCh38, 1-based): chr2:158,666,528, A>G. VCF-style: chr2-158666528-A-G. GRCh37 (hg19) VCF-style: chr2-159523040-A-G.
Other names: c.2693A>G, p.Asn898Ser (NM_001005476.4, NM_001304971.2, NM_001377218.1 and 1 more transcripts); c.2690A>G, p.Asn897Ser (NM_001304969.3, NM_001377219.1, NM_001377220.1 and 2 more transcripts); c.1664A>G, p.Asn555Ser (NM_001304970.3); c.2687A>G, p.Asn896Ser (NM_001377222.1, NM_001377223.1); c.2684A>G, p.Asn895Ser (NM_001377224.1); short protein forms N555S, N896S, N897S, N898S, N895S.
Identifiers: ClinVar variation 1794822 (VCV001794822.3), dbSNP rs1176933089, ClinGen allele CA348904460.
Genomic context (GRCh38, chr2:158,666,528, plus strand): 5'-TGGAGCTTCTGAGAATGGATAACGATAGAGTTGTTTCTTCCGTGGCAACAGCCTTGAGGA[A>G]TATGGCACTAGATGTTCGCAACAAGGAGCTCATAGGTATGTTCTGGTGACAAGATGAGCT-3'
Protein context (NP_003619.2, residues 888-908): VVSSVATALR[Asn898Ser]MALDVRNKEL

ClinVar aggregate classification (germline): Uncertain significance (1 of 4 stars; one submission).

Allele frequency attached by ClinVar (database versions not stated): gnomAD exomes 0.00001; TOPMed 0.00001.
gnomAD v4.1: 10 of 1,613,320 alleles (0.00062%); highest among the groups gnomAD compares: Non-Finnish European, 0.00085%; no homozygotes.

Submission:

Ambry Genetics
Classification: Uncertain significance. Last evaluated: 2025-08-31. Review status: criteria provided, single submitter. Criteria: Ambry Variant Classification Scheme 2023. Collection method: clinical testing. Allele origin: germline.
Comment: The p.N898S variant (also known as c.2693A>G), located in coding exon 15 of the PKP4 gene, results from an A to G substitution at nucleotide position 2693. The asparagine at codon 898 is replaced by serine, an amino acid with highly similar properties. This amino acid position is conserved. In addition, the in silico prediction for this alteration is inconclusive. Since supporting evidence is limited at this time, the clinical significance of this alteration remains unclear.